The following is an entry in ClinVar:

ClinVar aggregate classification (germline): Likely benign (1 of 4 stars; one submission).

gnomAD v4.1: 107 of 1,522,770 alleles (0.007%); highest among the groups gnomAD compares: Non-Finnish European, 0.0088%; 1 homozygote.

Submission:

CeGaT Center for Human Genetics Tuebingen
Classification: Likely benign. Last evaluated: 2025-07-01. Review status: criteria provided, single submitter. Criteria: CeGaT Center For Human Genetics Tuebingen Variant Classification Criteria Version 2. Collection method: clinical testing. Allele origin: germline. Affected: yes. Observed: 1 variant allele.
Comment: TET3: BS2

NM_001287491.2(TET3):c.419C>A (p.Pro140Gln)

Gene: TET3 (tet methylcytosine dioxygenase 3; plus strand). Cytogenetic location: 2p13.1.
Variant type: single nucleotide variant.
Coding change: c.419C>A on transcript NM_001287491.2 (MANE Select); coding-DNA position 419, C replaced by A.
Protein change: p.Pro140Gln; replaces proline 140 with glutamine.
Molecular consequence: missense variant.
Genome position (GRCh38, 1-based): chr2:74,046,336, C>A. VCF-style: chr2-74046336-C-A. GRCh37 (hg19) VCF-style: chr2-74273463-C-A.
Other names: c.140C>A, p.Pro47Gln (NM_001366022.1); short protein forms P140Q, P47Q.
Identifiers: ClinVar variation 4084717 (VCV004084717.8).